The following is an entry in ClinVar:

NM_001199563.2(POPDC1):c.708A>C (p.Thr236=)

Gene: POPDC1 (popeye domain cAMP effector 1; minus strand). Cytogenetic location: 6q21.
Variant type: single nucleotide variant.
Coding change: c.708A>C on transcript NM_001199563.2 (MANE Select); coding-DNA position 708, A replaced by C.
Protein change: p.Thr236=; no amino-acid change (threonine 236 retained).
Molecular consequence: synonymous variant.
Genome position (GRCh38, 1-based): chr6:105,116,809, T>G on the plus strand (A>C on the coding strand, the complement: POPDC1 is on the minus strand). VCF-style: chr6-105116809-T-G. GRCh37 (hg19) VCF-style: chr6-105564684-T-G.
Other names: p.Thr236=; c.708A>C, p.Thr236= (NM_007073.4, NM_147147.4).
Identifiers: ClinVar variation 776144 (VCV000776144.11), dbSNP rs61995860, ClinGen allele CA3940976.

ClinVar aggregate classification (germline): Benign/Likely benign. Review status: criteria provided, multiple submitters, no conflicts (2 of 4 stars). 6 submissions from 6 submitters: Benign (2); Likely benign (3). 1 of the submissions does not count toward it. Last evaluated 2022-02-11.

Conditions:
BVES-related disorder. Also called: BVES-related condition.
Autosomal recessive limb-girdle muscular dystrophy type 2X (LGMDR25). Also called: Muscular dystrophy, limb-girdle, type 2X. Identifiers: Orphanet 476084, MedGen C5568138, MONDO:0014782, OMIM 616812.

Allele frequency attached by ClinVar (database versions not stated): TOPMed 0.01291; gnomAD 0.01354 and 0.01282; ExAC 0.00694; 1000 Genomes Project 0.01338; ESP Exome Variant Server 0.01270; 1000 Genomes Project 30x 0.01312.
gnomAD v4.1: 9,456 of 1,612,514 alleles (0.59%); highest among the groups gnomAD compares: African/African-American, 3.1%; 72 homozygotes.

Submissions (6):

Fulgent Genetics
Classification: Likely benign for Autosomal recessive limb-girdle muscular dystrophy type 2X. Last evaluated: 2022-02-11. Review status: criteria provided, single submitter. Criteria: ACMG Guidelines, 2015. Collection method: clinical testing. Allele origin: unknown.

GeneDx
Classification: Likely benign. Last evaluated: 2020-12-08. Review status: criteria provided, single submitter. Criteria: GeneDx Variant Classification Process June 2021. Collection method: clinical testing. Allele origin: germline. Affected: yes.

Labcorp Genetics (formerly Invitae), Labcorp
Classification: Benign. Last evaluated: 2019-12-31. Review status: criteria provided, single submitter. Criteria: Invitae Variant Classification Sherloc (09022015). Collection method: clinical testing. Allele origin: germline.

Mayo Clinic Laboratories, Mayo Clinic
Classification: Benign. Last evaluated: 2017-12-05. Review status: criteria provided, single submitter. Criteria: ACMG Guidelines, 2015. Collection method: clinical testing. Allele origin: germline. Observed: 14 variant alleles.

Breakthrough Genomics
Classification: Likely benign. Review status: criteria provided, single submitter. Criteria: ACMG Guidelines, 2015. Collection method: not provided. Allele origin: germline. Inheritance: Autosomal recessive inheritance. Affected: yes.

PreventionGenetics, part of Exact Sciences
Classification: Benign for BVES-related condition. Last evaluated: 2019-08-13. Review status: no assertion criteria provided. Collection method: clinical testing. Allele origin: germline. Not counted in ClinVar's aggregate classification.
Comment: This variant is classified as benign based on ACMG/AMP sequence variant interpretation guidelines (Richards et al. 2015 PMID: 25741868, with internal and published modifications).